The following is an entry in ClinVar:

NM_006766.5(KAT6A):c.4586C>G (p.Thr1529Ser)

Gene: KAT6A (lysine acetyltransferase 6A; minus strand). Cytogenetic location: 8p11.21.
Variant type: single nucleotide variant.
Coding change: c.4586C>G on transcript NM_006766.5 (MANE Select); coding-DNA position 4586, C replaced by G.
Protein change: p.Thr1529Ser; replaces threonine 1529 with serine.
Molecular consequence: missense variant.
Genome position (GRCh38, 1-based): chr8:41,933,634, G>C on the plus strand (C>G on the coding strand, the complement: KAT6A is on the minus strand). VCF-style: chr8-41933634-G-C. GRCh37 (hg19) VCF-style: chr8-41791152-G-C.
Other names: short protein forms T1529S.
Identifiers: ClinVar variation 1715873 (VCV001715873.5), dbSNP rs1238118498, ClinGen allele CA371065448.

ClinVar aggregate classification (germline): Uncertain significance (1 of 4 stars; one submission).

Allele frequency attached by ClinVar (database versions not stated): gnomAD exomes below 0.00001; TOPMed below 0.00001.

Submission:

Labcorp Genetics (formerly Invitae), Labcorp
Classification: Uncertain significance. Last evaluated: 2022-07-14. Review status: criteria provided, single submitter. Criteria: Invitae Variant Classification Sherloc (09022015). Collection method: clinical testing. Allele origin: germline.
Comment: In summary, the available evidence is currently insufficient to determine the role of this variant in disease. Therefore, it has been classified as a Variant of Uncertain Significance. Algorithms developed to predict the effect of missense changes on protein structure and function are either unavailable or do not agree on the potential impact of this missense change (SIFT: "Tolerated"; PolyPhen-2: "Not Available"; Align-GVGD: "Class C0"). This variant has not been reported in the literature in individuals affected with KAT6A-related conditions. This variant is not present in population databases (gnomAD no frequency). This sequence change replaces threonine, which is neutral and polar, with serine, which is neutral and polar, at codon 1529 of the KAT6A protein (p.Thr1529Ser).